The following is an entry in ClinVar:

ClinVar aggregate classification (germline): Uncertain significance. Review status: criteria provided, multiple submitters, no conflicts (2 of 4 stars). 2 submissions from 2 submitters: Uncertain significance (2). Last evaluated 2021-09-01.

gnomAD v4.1: 75 of 1,593,696 alleles (0.0047%); highest among the groups gnomAD compares: Non-Finnish European, 0.0061%; no homozygotes.

Submissions (2):

Labcorp Genetics (formerly Invitae), Labcorp
Classification: Uncertain significance. Last evaluated: 2021-09-01. Review status: criteria provided, single submitter. Criteria: Invitae Variant Classification Sherloc (09022015). Collection method: clinical testing. Allele origin: germline.
Comment: This sequence change replaces threonine with arginine at codon 1004 of the LAMC3 protein (p.Thr1004Arg). The threonine residue is weakly conserved and there is a moderate physicochemical difference between threonine and arginine. This variant is present in population databases (rs367843721, ExAC 0.008%). This variant has not been reported in the literature in individuals affected with LAMC3-related conditions. Algorithms developed to predict the effect of missense changes on protein structure and function are either unavailable or do not agree on the potential impact of this missense change (SIFT: "Tolerated"; PolyPhen-2: "Possibly Damaging"; Align-GVGD: "Class C0"). Algorithms developed to predict the effect of sequence changes on RNA splicing suggest that this variant may create or strengthen a splice site. In summary, the available evidence is currently insufficient to determine the role of this variant in disease. Therefore, it has been classified as a Variant of Uncertain Significance.

GeneDx
Classification: Uncertain significance. Last evaluated: 2020-04-03. Review status: criteria provided, single submitter. Criteria: GeneDx Variant Classification Process June 2021. Collection method: clinical testing. Allele origin: germline. Affected: yes.
Comment: Not observed at a significant frequency in large population cohorts (Lek et al., 2016); In silico analysis supports that this missense variant does not alter protein structure/function; Has not been previously published as pathogenic or benign to our knowledge; In silico analysis, which includes splice predictors and evolutionary conservation, suggests this variant may impact gene splicing. In the absence of RNA/functional studies, the actual effect of this sequence change is unknown.

NM_006059.4(LAMC3):c.3011C>G (p.Thr1004Arg)

Gene: LAMC3 (laminin subunit gamma 3; plus strand). Cytogenetic location: 9q34.12.
Variant type: single nucleotide variant.
Coding change: c.3011C>G on transcript NM_006059.4 (MANE Select); coding-DNA position 3011, C replaced by G.
Protein change: p.Thr1004Arg; replaces threonine 1004 with arginine.
Molecular consequence: missense variant.
Genome position (GRCh38, 1-based): chr9:131,069,792, C>G. VCF-style: chr9-131069792-C-G. GRCh37 (hg19) VCF-style: chr9-133945179-C-G.
Other names: short protein forms T1004R.
Identifiers: ClinVar variation 1303743 (VCV001303743.6), dbSNP rs367843721, ClinGen allele CA5287644.
Genomic context (GRCh38, chr9:131,069,792, plus strand): 5'-TGTGCAGGCCTGGCTTCGAGGGCTACAAATGTGACCGCTGCCACGACAACTTCTTCCTCA[C>G]GGCAGACGGCACACACTGCCAGCAATGTCCGTCCTGCTACGCCCTGGTGAAGGAGGAGGT-3'
Protein context (NP_006050.3, residues 994-1014): CDRCHDNFFL[Thr1004Arg]ADGTHCQQCP